The following is an entry in ClinVar:

ClinVar aggregate classification (germline): Uncertain significance (1 of 4 stars; one submission).

Allele frequency attached by ClinVar (database versions not stated): 1000 Genomes Project 30x 0.00016.
gnomAD v4.1: 66 of 1,613,772 alleles (0.0041%); highest among the groups gnomAD compares: South Asian, 0.066%; no homozygotes.

Submission:

Women's Health and Genetics/Laboratory Corporation of America, LabCorp
Classification: Uncertain significance. Last evaluated: 2023-07-24. Review status: criteria provided, single submitter. Criteria: LabCorp Variant Classification Summary - May 2015. Collection method: clinical testing. Allele origin: germline.
Comment: Variant summary: UNC13D c.1204C>G (p.Leu402Val) results in a conservative amino acid change in the encoded protein sequence. Three of five in-silico tools predict a damaging effect of the variant on protein function. The variant allele was found at a frequency of 0.00011 in 250844 control chromosomes. c.1204C>G has been reported in the literature in individuals affected with Familial Hemophagocytic Lymphohistiocytosis (Shabrish_2021). This report does not provide unequivocal conclusions about association of the variant with Familial Hemophagocytic Lymphohistiocytosis. To our knowledge, no experimental evidence demonstrating an impact on protein function has been reported. The following publication have been ascertained in the context of this evaluation (PMID: 33746956). No submitters have cited clinical-significance assessments for this variant to ClinVar after 2014. Based on the evidence outlined above, the variant was classified as uncertain significance.

Literature cited by the submitters: PubMed 33746956.

NM_199242.3(UNC13D):c.1204C>G (p.Leu402Val)

Gene: UNC13D (unc-13 homolog D; minus strand). Cytogenetic location: 17q25.1.
Variant type: single nucleotide variant.
Coding change: c.1204C>G on transcript NM_199242.3 (MANE Select); coding-DNA position 1204, C replaced by G.
Protein change: p.Leu402Val; replaces leucine 402 with valine.
Molecular consequence: missense variant.
Genome position (GRCh38, 1-based): chr17:75,836,666, G>C on the plus strand (C>G on the coding strand, the complement: UNC13D is on the minus strand). VCF-style: chr17-75836666-G-C. GRCh37 (hg19) VCF-style: chr17-73832747-G-C.
Other names: short protein forms L402V.
Identifiers: ClinVar variation 2577208 (VCV002577208.1), dbSNP rs568125844, ClinGen allele CA8773080.